The following is an entry in ClinVar:

NM_024577.4(SH3TC2):c.167_169del (p.Phe56del)

Gene: SH3TC2 (SH3 domain and tetratricopeptide repeats 2; minus strand). Cytogenetic location: 5q32.
Variant type: Deletion.
Coding change: c.167_169del on transcript NM_024577.4 (MANE Select); coding-DNA positions 167 to 169, 3 bases deleted (TCT; older notation c.167_169delTCT).
Protein change: p.Phe56del; deletes phenylalanine 56.
Molecular consequence: inframe deletion.
Genome position (GRCh38, 1-based): chr5:149,047,972-149,047,974, AGA deleted on the plus strand (TCT on the coding strand, the reverse complement: SH3TC2 is on the minus strand); deleting any 3 consecutive bases within chr5:149,047,972-149,047,976 gives the same sequence; the c. name uses the placement nearest the transcript's 3' end. VCF-style (leftmost placement, unchanged base first): chr5-149047971-CAGA-C. GRCh37 (hg19) VCF-style: chr5-148427534-CAGA-C.
Other names: short protein forms F56del.
Identifiers: ClinVar variation 2655896 (VCV002655896.24), dbSNP rs1411287038, ClinGen allele CA563536897.

ClinVar aggregate classification (germline): Uncertain significance (1 of 4 stars; one submission).

Submission:

CeGaT Center for Human Genetics Tuebingen
Classification: Uncertain significance. Last evaluated: 2023-07-01. Review status: criteria provided, single submitter. Criteria: CeGaT Center For Human Genetics Tuebingen Variant Classification Criteria Version 2. Collection method: clinical testing. Allele origin: germline. Affected: yes. Observed: 1 variant allele.
Comment: SH3TC2: PM2